The following is an entry in ClinVar:

ClinVar aggregate classification (germline): Uncertain significance (1 of 4 stars; one submission).

Submission:

Labcorp Genetics (formerly Invitae), Labcorp
Classification: Uncertain significance. Last evaluated: 2023-11-27. Review status: criteria provided, single submitter. Criteria: Invitae Variant Classification Sherloc (09022015). Collection method: clinical testing. Allele origin: germline.
Comment: This sequence change replaces aspartic acid, which is acidic and polar, with glutamic acid, which is acidic and polar, at codon 526 of the IMPG1 protein (p.Asp526Glu). This variant is not present in population databases (gnomAD no frequency). This variant has not been reported in the literature in individuals affected with IMPG1-related conditions. ClinVar contains an entry for this variant (Variation ID: 1907949). Algorithms developed to predict the effect of missense changes on protein structure and function output the following: SIFT: "Not Available"; PolyPhen-2: "Benign"; Align-GVGD: "Not Available". The glutamic acid amino acid residue is found in multiple mammalian species, which suggests that this missense change does not adversely affect protein function. In summary, the available evidence is currently insufficient to determine the role of this variant in disease. Therefore, it has been classified as a Variant of Uncertain Significance.

NM_001563.4(IMPG1):c.1578C>A (p.Asp526Glu)

Gene: IMPG1 (interphotoreceptor matrix proteoglycan 1; minus strand). Cytogenetic location: 6q14.1.
Variant type: single nucleotide variant.
Coding change: c.1578C>A on transcript NM_001563.4 (MANE Select); coding-DNA position 1578, C replaced by A.
Protein change: p.Asp526Glu; replaces aspartic acid 526 with glutamic acid.
Molecular consequence: missense variant.
Genome position (GRCh38, 1-based): chr6:75,950,808, G>T on the plus strand (C>A on the coding strand, the complement: IMPG1 is on the minus strand). VCF-style: chr6-75950808-G-T. GRCh37 (hg19) VCF-style: chr6-76660525-G-T.
Other names: c.1344C>A, p.Asp448Glu (NM_001282368.2); short protein forms D526E, D448E.
Identifiers: ClinVar variation 1907949 (VCV001907949.5), dbSNP rs201558857, ClinGen allele CA364777573.